The following is an entry in ClinVar:

NM_001003800.2(BICD2):c.593T>C (p.Leu198Pro)

Gene: BICD2 (BICD cargo adaptor 2; minus strand). Cytogenetic location: 9q22.31.
Variant type: single nucleotide variant.
Coding change: c.593T>C on transcript NM_001003800.2 (MANE Select); coding-DNA position 593, T replaced by C.
Protein change: p.Leu198Pro; replaces leucine 198 with proline.
Molecular consequence: missense variant.
Genome position (GRCh38, 1-based): chr9:92,722,669, A>G on the plus strand (T>C on the coding strand, the complement: BICD2 is on the minus strand). VCF-style: chr9-92722669-A-G. GRCh37 (hg19) VCF-style: chr9-95484951-A-G.
Other names: c.593T>C, p.Leu198Pro (NM_015250.4); short protein forms L198P.
Identifiers: ClinVar variation 3342840 (VCV003342840.1).

ClinVar aggregate classification (germline): Pathogenic (1 of 4 stars; one submission).

Submission:

GeneDx
Classification: Pathogenic. Last evaluated: 2023-10-26. Review status: criteria provided, single submitter. Criteria: GeneDx Variant Classification Process June 2021. Collection method: clinical testing. Allele origin: germline. Affected: yes.
Comment: Not observed at significant frequency in large population cohorts (gnomAD); In silico analysis supports that this missense variant has a deleterious effect on protein structure/function; This variant is associated with the following publications: (PMID: 36057830)